The following is an entry in ClinVar:

ClinVar aggregate classification (germline): Uncertain significance (1 of 4 stars; one submission).

Conditions:
Neuropathy, hereditary sensory and autonomic, type 1C. Also called: HSAN IC; HSN IC. Identifiers: Orphanet 36386, MedGen C3150896, MONDO:0013337, OMIM 613640.

Allele frequency attached by ClinVar (database versions not stated): gnomAD exomes below 0.00001.
gnomAD v4.1: 1 of 1,614,146 alleles (0.000062%); highest among the groups gnomAD compares: Non-Finnish European, 0.000085%; no homozygotes.

Submission:

Labcorp Genetics (formerly Invitae), Labcorp
Classification: Uncertain significance for Neuropathy, hereditary sensory and autonomic, type 1C. Last evaluated: 2024-11-11. Review status: criteria provided, single submitter. Criteria: Invitae Variant Classification Sherloc (09022015). Collection method: clinical testing. Allele origin: germline.
Comment: This sequence change replaces asparagine, which is neutral and polar, with serine, which is neutral and polar, at codon 135 of the SPTLC2 protein (p.Asn135Ser). This variant is not present in population databases (gnomAD no frequency). This variant has not been reported in the literature in individuals affected with SPTLC2-related conditions. ClinVar contains an entry for this variant (Variation ID: 2063605). Invitae Evidence Modeling of protein sequence and biophysical properties (such as structural, functional, and spatial information, amino acid conservation, physicochemical variation, residue mobility, and thermodynamic stability) has been performed for this missense variant. However, the output from this modeling did not meet the statistical confidence thresholds required to predict the impact of this variant on SPTLC2 protein function. In summary, the available evidence is currently insufficient to determine the role of this variant in disease. Therefore, it has been classified as a Variant of Uncertain Significance.

NM_004863.4(SPTLC2):c.404A>G (p.Asn135Ser)

Gene: SPTLC2 (serine palmitoyltransferase long chain base subunit 2; minus strand). Cytogenetic location: 14q24.3.
Variant type: single nucleotide variant.
Coding change: c.404A>G on transcript NM_004863.4 (MANE Select); coding-DNA position 404, A replaced by G.
Protein change: p.Asn135Ser; replaces asparagine 135 with serine.
Molecular consequence: missense variant.
Genome position (GRCh38, 1-based): chr14:77,579,033, T>C on the plus strand (A>G on the coding strand, the complement: SPTLC2 is on the minus strand). VCF-style: chr14-77579033-T-C. GRCh37 (hg19) VCF-style: chr14-78045376-T-C.
Other names: short protein forms N135S.
Identifiers: ClinVar variation 2063605 (VCV002063605.4), dbSNP rs2503518649, ClinGen allele CA390700853.